The following is an entry in ClinVar:

NM_001199138.2(NLRC4):c.718C>T (p.Arg240Trp)

Gene: NLRC4 (NLR family CARD domain containing 4; minus strand). Cytogenetic location: 2p22.3.
Variant type: single nucleotide variant.
Coding change: c.718C>T on transcript NM_001199138.2 (MANE Select); coding-DNA position 718, C replaced by T.
Protein change: p.Arg240Trp; replaces arginine 240 with tryptophan.
Molecular consequence: missense variant. On other transcripts: intron variant (1).
Genome position (GRCh38, 1-based): chr2:32,251,146, G>A on the plus strand (C>T on the coding strand, the complement: NLRC4 is on the minus strand). VCF-style: chr2-32251146-G-A. GRCh37 (hg19) VCF-style: chr2-32476215-G-A.
Other names: c.718C>T, p.Arg240Trp (NM_001199139.2, NM_021209.5); c.262+1273C>T (NM_001302504.1); short protein forms R240W.
Identifiers: ClinVar variation 938283 (VCV000938283.9), dbSNP rs749177011, ClinGen allele CA1602097.

ClinVar aggregate classification (germline): Uncertain significance (1 of 4 stars; one submission).

Conditions:
Periodic fever-infantile enterocolitis-autoinflammatory syndrome. Also called: Autoinflammation with infantile enterocolitis. Identifiers: Orphanet 436166, MedGen C4015067, MONDO:0014472, OMIM 616050.
Familial cold autoinflammatory syndrome 4 (FCAS4). Identifiers: Orphanet 47045, Orphanet 576349, MedGen C4015276, MONDO:0014498, OMIM 616115.

Allele frequency attached by ClinVar (database versions not stated): gnomAD exomes 0.00001; ExAC 0.00003.
gnomAD v4.1: 7 of 1,614,146 alleles (0.00043%); highest among the groups gnomAD compares: South Asian, 0.0066%; no homozygotes.

Submission:

Labcorp Genetics (formerly Invitae), Labcorp
Classification: Uncertain significance for Periodic fever-infantile enterocolitis-autoinflammatory syndrome; Familial cold autoinflammatory syndrome 4. Last evaluated: 2019-09-29. Review status: criteria provided, single submitter. Criteria: Invitae Variant Classification Sherloc (09022015). Collection method: clinical testing. Allele origin: germline.
Comment: In summary, the available evidence is currently insufficient to determine the role of this variant in disease. Therefore, it has been classified as a Variant of Uncertain Significance. Algorithms developed to predict the effect of missense changes on protein structure and function output the following: SIFT: "Deleterious"; PolyPhen-2: "Benign"; Align-GVGD: "Class C0". The tryptophan amino acid residue is found in multiple mammalian species, suggesting that this missense change does not adversely affect protein function. These predictions have not been confirmed by published functional studies and their clinical significance is uncertain. This variant has not been reported in the literature in individuals with NLRC4-related conditions. This variant is present in population databases (rs749177011, ExAC 0.02%). This sequence change replaces arginine with tryptophan at codon 240 of the NLRC4 protein (p.Arg240Trp). The arginine residue is moderately conserved and there is a moderate physicochemical difference between arginine and tryptophan.